The following is an entry in ClinVar:

ClinVar aggregate classification (germline): Benign. Review status: criteria provided, multiple submitters, no conflicts (2 of 4 stars). 3 submissions from 3 submitters: Benign (2). 1 of the submissions does not count toward it. Last evaluated 2019-12-31.

Conditions:
DNHD1-related disorder. Also called: DNHD1-related condition.

Allele frequency attached by ClinVar (database versions not stated): gnomAD exomes 0.00063 and 0.00147; ExAC 0.00189; ESP Exome Variant Server 0.00526; 1000 Genomes Project 30x 0.00562; 1000 Genomes Project 0.00579; gnomAD 0.00611 and 0.00656; TOPMed 0.00725.
gnomAD v4.1: 1,824 of 1,551,430 alleles (0.12%); highest among the groups gnomAD compares: African/African-American, 2.2%; 14 homozygotes.

Submissions (3):

Labcorp Genetics (formerly Invitae), Labcorp
Classification: Benign. Last evaluated: 2019-12-31. Review status: criteria provided, single submitter. Criteria: Invitae Variant Classification Sherloc (09022015). Collection method: clinical testing. Allele origin: germline.

Breakthrough Genomics
Classification: Benign. Review status: criteria provided, single submitter. Criteria: ACMG Guidelines, 2015. Collection method: not provided. Allele origin: germline. Inheritance: Autosomal recessive inheritance. Affected: yes.

PreventionGenetics, part of Exact Sciences
Classification: Benign for DNHD1-related condition. Last evaluated: 2019-02-18. Review status: no assertion criteria provided. Collection method: clinical testing. Allele origin: germline. Not counted in ClinVar's aggregate classification.
Comment: This variant is classified as benign based on ACMG/AMP sequence variant interpretation guidelines (Richards et al. 2015 PMID: 25741868, with internal and published modifications).

NM_144666.3(DNHD1):c.2561G>A (p.Arg854Gln)

Gene: DNHD1 (dynein heavy chain domain 1; plus strand). Cytogenetic location: 11p15.4.
Variant type: single nucleotide variant.
Coding change: c.2561G>A on transcript NM_144666.3 (MANE Select); coding-DNA position 2561, G replaced by A.
Protein change: p.Arg854Gln; replaces arginine 854 with glutamine.
Molecular consequence: missense variant.
Genome position (GRCh38, 1-based): chr11:6,533,736, G>A. VCF-style: chr11-6533736-G-A. GRCh37 (hg19) VCF-style: chr11-6554966-G-A.
Other names: short protein forms R854Q.
Identifiers: ClinVar variation 717169 (VCV000717169.7), dbSNP rs75796419, ClinGen allele CA5855808.